The following is an entry in ClinVar:

NM_007294.4(BRCA1):c.3640G>T (p.Glu1214Ter)

Genes: BRCA1 (BRCA1 DNA repair associated; minus strand), LOC126862571 (BRD4-independent group 4 enhancer GRCh37_chr17:41243136-41244335; plus strand). Cytogenetic location: 17q21.31.
Variant type: single nucleotide variant.
Coding change: c.3640G>T on transcript NM_007294.4 (MANE Select); coding-DNA position 3640, G replaced by T.
Protein change: p.Glu1214Ter; replaces glutamic acid 1214 with a stop codon.
Molecular consequence: nonsense. On other transcripts: intron variant (135).
Genome position (GRCh38, 1-based): chr17:43,091,891, C>A on the plus strand (G>T on the coding strand, the complement: BRCA1 is on the minus strand). VCF-style: chr17-43091891-C-A. GRCh37 (hg19) VCF-style: chr17-41243908-C-A.
Other names: c.644-859G>T (NM_001408470.1, NM_001408464.1, NM_001408468.1 and 3 more transcripts); c.647-859G>T (NM_001408469.1, NM_001408453.1, NM_001408461.1 and 11 more transcripts); c.785-859G>T (NM_001408397.1, NM_001408401.1, NM_001408396.1 and 13 more transcripts); c.665-859G>T (NM_001408436.1, NM_001408444.1, NM_001408438.1 and 12 more transcripts); c.788-859G>T (NM_001407980.1, NM_001407993.1, NM_001407976.1 and 17 more transcripts); c.653-859G>T (NM_001408451.1); c.524-859G>T (NM_001408498.1, NM_001408501.1, NM_001408500.1 and 3 more transcripts); c.584-859G>T (NM_001408475.1); and 41 more; short protein forms E1214*, E1167*, E1046*, E1086*, E1102*, E1103*, E1143*, E1146*.
Identifiers: ClinVar variation 54949 (VCV000054949.50), dbSNP rs80356923, ClinGen allele CA002328.
Genomic context (GRCh38, chr17:43,091,891, plus strand): 5'-CTTTACCAAATAACAAGTGTTGGAAGCAGGGAAGCTCTTCATCCTCACTAGATAAGTTCT[C>A]TTCTGAGGACTCTAATTTCTTGGCCCCTCTTCGGTAACCCTGAGCCAAATGTGTATGGGT-3'

ClinVar aggregate classification (germline): Pathogenic. Review status: reviewed by expert panel (3 of 4 stars). 20 submissions from 20 submitters: Pathogenic (1). 19 of the submissions do not count toward it. Last evaluated 2016-09-08.

Conditions:
Fanconi anemia, complementation group S (FANCS). Identifiers: MedGen C4554406, MONDO:0054748, OMIM 617883.
Breast-ovarian cancer, familial, susceptibility to, 1 (BROVCA1). Also called: OVARIAN CANCER, SUSCEPTIBILITY TO; BRCA1 Hereditary Breast and Ovarian Cancer. Identifiers: Orphanet 145, MedGen C2676676, MONDO:0011450, OMIM 604370. Disease mechanism: loss of function.
Pancreatic cancer, susceptibility to, 4. Identifiers: Orphanet 1333, MedGen C3280442, MONDO:0013685, OMIM 614320.
Breast neoplasm. Also called: Neoplasm of breast; Breast tumor; Breast Neoplasms; Neoplasm of the breast. Identifiers: MedGen C1458155, MeSH D001943, MONDO:0021100, HP:0100013. Disease mechanism: gain of function.
Gastric cancer. Also called: Stomach cancer; Malignant tumor of stomach. Identifiers: MedGen C0024623, MeSH D013274, MONDO:0001056, OMIM 613659, HP:0012126.
Breast and/or ovarian cancer. Identifiers: MedGen CN221562.
Hereditary cancer-predisposing syndrome. Also called: Neoplastic Syndromes, Hereditary; Tumor predisposition; Hereditary Cancer Syndrome; Hereditary neoplastic syndrome. Identifiers: Orphanet 140162, MedGen C0027672, MeSH D009386, MONDO:0015356.
Hereditary breast ovarian cancer syndrome. Also called: Hereditary breast and/or ovarian cancer syndrome; Hereditary breast and ovarian cancer syndrome; Hereditary breast and ovarian cancer; Hereditary breast and ovarian cancer syndrome (HBOC); Breast and ovarian cancer; BRCA1- and BRCA2-Associated Hereditary Breast and Ovarian Cancer. Identifiers: Orphanet 145, MedGen C0677776, MeSH D061325, MONDO:0003582. Disease mechanism: loss of function.

gnomAD v4.1: 1 of 1,614,170 alleles (0.000062%); highest among the groups gnomAD compares: Non-Finnish European, 0.000085%; no homozygotes.

Submissions 1 to 8 of 20:

Evidence-based Network for the Interpretation of Germline Mutant Alleles (ENIGMA)
Classification: Pathogenic for Breast-ovarian cancer, familial, susceptibility to, 1. Last evaluated: 2016-09-08. Review status: reviewed by expert panel. Criteria: ENIGMA BRCA1/2 Classification Criteria (2015). Collection method: curation. Allele origin: germline.
Comment: Variant allele predicted to encode a truncated non-functional protein.

Ambry Genetics
Classification: Pathogenic for Hereditary cancer-predisposing syndrome. Last evaluated: 2025-05-22. Review status: criteria provided, single submitter. Criteria: Ambry Variant Classification Scheme 2023. Collection method: clinical testing. Allele origin: germline. Not counted in ClinVar's aggregate classification.
Comment: The c.3640G>T (p.E1214*) alteration (also known as c.3640G>T), located in exon 10 (coding exon 9) of the BRCA1 gene, consists of a G to T substitution at nucleotide position 3640. This changes the amino acid from a glutamic acid (E) to a stop codon at amino acid position 1214. This alteration is expected to result in loss of function by premature protein truncation or nonsense-mediated mRNA decay. This variant was not reported in population-based cohorts in the Genome Aggregation Database (gnomAD). This variant has been reported in multiple Japanese patients and families with breast and ovarian cancer (Katagiri, 1996; Takano, 1997; Ishikawa, 2014). Additionally, 1/103 women in a high-grade serous ovarian cancer cohort was found to have this variant (Schrader, 2012). Of note, this alteration is also designated as 3759G>T, E1214X, and 1214 GAG>TAG in published literature. Based on the available evidence, this alteration is classified as pathogenic.

Labcorp Genetics (formerly Invitae), Labcorp
Classification: Pathogenic for Hereditary breast ovarian cancer syndrome. Last evaluated: 2025-04-22. Review status: criteria provided, single submitter. Criteria: Invitae Variant Classification Sherloc (09022015). Collection method: clinical testing. Allele origin: germline. Not counted in ClinVar's aggregate classification.
Comment: This sequence change creates a premature translational stop signal (p.Glu1214*) in the BRCA1 gene. It is expected to result in an absent or disrupted protein product. Loss-of-function variants in BRCA1 are known to be pathogenic (PMID: 20104584). This variant is not present in population databases (gnomAD no frequency). This premature translational stop signal has been observed in individual(s) with a personal and/or extensive family history of breast and/or ovarian cancer (PMID: 9150151, 16683254, 20104584, 24719479, 26848529). ClinVar contains an entry for this variant (Variation ID: 54949). For these reasons, this variant has been classified as Pathogenic.

Department of Clinical Genetics, Copenhagen University Hospital, Rigshospitalet
Classification: Pathogenic for Breast-ovarian cancer, familial, susceptibility to, 1. Last evaluated: 2024-05-27. Review status: criteria provided, single submitter. Criteria: ACMG Guidelines, 2015. Collection method: clinical testing. Allele origin: germline. Affected: yes. Not counted in ClinVar's aggregate classification.
Comment: PVS1; PM2_supporting; PM5_PTC_Strong

Color Diagnostics, LLC DBA Color Health
Classification: Pathogenic for Hereditary cancer-predisposing syndrome. Last evaluated: 2021-04-27. Review status: criteria provided, single submitter. Criteria: ACMG Guidelines, 2015. Collection method: clinical testing. Allele origin: germline. Not counted in ClinVar's aggregate classification.
Comment: This variant changes 1 nucleotide in exon 10 of the BRCA1 gene, creating a premature translation stop signal. This variant is expected to result in an absent or non-functional protein product. To our knowledge, functional studies have not been reported for this variant. This variant has been reported in at least 8 individuals affected with breast, ovarian and fallopian tube cancer (PMID: 8723683, 9197534, 24719479, 24884479, 24249303, 30287823, 33471991; Leiden Open Variation Database DB-ID BRCA1_001445) and two individuals affected with prostate cancer (PMID: 31214711). This variant has not been identified in the general population by the Genome Aggregation Database (gnomAD). Loss of BRCA1 function is a known mechanism of disease. Based on the available evidence, this variant is classified as Pathogenic.

Laboratory for Molecular Medicine, Mass General Brigham Personalized Medicine
Classification: Pathogenic for Hereditary breast ovarian cancer syndrome. Last evaluated: 2019-04-05. Review status: criteria provided, single submitter. Criteria: ACMG Guidelines, 2015. Collection method: clinical testing. Allele origin: germline. Inheritance: Autosomal dominant inheritance. Not counted in ClinVar's aggregate classification.
Comment: The p.Glu1214X variant in BRCA1 has been reported in at least 4 individuals with BRCA1-associated cancers (Peelen 1997, Ishikawa 2014, Breast Cancer Information Core (BIC) database), and was absent from large population studies. This nonsense variant leads to a premature termination codon at position 1214, which is predicted to lead to a truncated or absent protein. Heterozygous loss of function of the BRCA1 gene is an established disease mechanism in HBOC. Furthermore, this variant was classified as Pathogenic on September 8, 2016 by the ClinGen-approved ENIGMA expert panel (ClinVar SCV000299984.2). In summary, this variant meets criteria to be classified as pathogenic for HBOC in an autosomal dominant manner. ACMG/AMP Criteria applied: PVS1; PM2; PS4_Supporting

Human Genome Sequencing Center Clinical Lab, Baylor College of Medicine
Classification: Pathogenic for Familial breast-ovarian cancer 1. Last evaluated: 2018-10-12. Review status: criteria provided, single submitter. Criteria: ACMG Guidelines, 2015. Collection method: clinical testing. Allele origin: germline. Not counted in ClinVar's aggregate classification.
Comment: This rare nonsense variant c.3640G>T (p.Glu1214*) in the BRCA1 gene is absent in public databases and is predicted to result in a loss of function of BRCA1. This variant has been observed in at least 10 unrelated individuals with breast cancer (PMID 8723683, 9197534, 9150151, 24884479, 24719479). Therefore, this c.3640G>T (p.Glu1214*) variant in the BRCA1 gene is classified as pathogenic.

Women's Health and Genetics/Laboratory Corporation of America, LabCorp
Classification: Pathogenic for Hereditary breast and ovarian cancer syndrome. Last evaluated: 2018-07-02. Review status: criteria provided, single submitter. Criteria: LabCorp Variant Classification Summary - May 2015. Collection method: clinical testing. Allele origin: germline. Not counted in ClinVar's aggregate classification.
Comment: Variant summary: BRCA1 c.3640G>T (p.Glu1214X) results in a premature termination codon, predicted to cause a truncation of the encoded protein or absence of the protein due to nonsense mediated decay, which are commonly known mechanisms for disease. The variant was absent in 246036 control chromosomes. c.3640G>T has been reported in the literature in multiple individuals affected with Hereditary Breast and Ovarian Cancer. These data indicate that the variant is very likely to be associated with disease. To our knowledge, no experimental evidence demonstrating an impact on protein function has been reported. Five clinical diagnostic laboratories have submitted clinical-significance assessments for this variant to ClinVar after 2014 without evidence for independent evaluation. All laboratories classified the variant as pathogenic. Based on the evidence outlined above, the variant was classified as pathogenic.